The following is an entry in ClinVar:

NM_004655.4(AXIN2):c.1552_1554del (p.Tyr518del)

Gene: AXIN2 (axin 2; minus strand). Cytogenetic location: 17q24.1.
Variant type: Deletion.
Coding change: c.1552_1554del on transcript NM_004655.4 (MANE Select); coding-DNA positions 1552 to 1554, 3 bases deleted (TAC; older notation c.1552_1554delTAC).
Protein change: p.Tyr518del; deletes tyrosine 518.
Molecular consequence: inframe deletion.
Genome position (GRCh38, 1-based): chr17:65,537,482-65,537,484, GTA deleted on the plus strand (TAC on the coding strand, the reverse complement: AXIN2 is on the minus strand); deleting any 3 consecutive bases within chr17:65,537,482-65,537,486 gives the same sequence; the c. name uses the placement nearest the transcript's 3' end. VCF-style (leftmost placement, unchanged base first): chr17-65537481-TGTA-T. GRCh37 (hg19) VCF-style: chr17-63533599-TGTA-T.
Other names: c.1552_1554delTAC (NM_004655.3); c.1552_1554del, p.Tyr518del (NM_001363813.1); short protein forms Y518del.
Identifiers: ClinVar variation 1382972 (VCV001382972.7), dbSNP rs2043949650, ClinGen allele CA2573154686.
Genomic context (GRCh38, chr17:65,537,481, plus strand): 5'-CCCGCTGCGTGGCCTCCGCCTCGATCTCCTCCTTGGTCTTGGGGACGGCATGGTGGTGGA[TGTA>T]GTGGTGGTGGACATGCTTCGTCGTCTGCTTGGTCACAAAGCCTTTGCCCCCGAGGAGGGG-3'

ClinVar aggregate classification (germline): Uncertain significance. Review status: criteria provided, multiple submitters, no conflicts (2 of 4 stars). 2 submissions from 2 submitters: Uncertain significance (2). Last evaluated 2023-01-24.

Conditions:
Hereditary cancer-predisposing syndrome. Also called: Tumor predisposition; Neoplastic Syndromes, Hereditary; Hereditary Cancer Syndrome; Hereditary neoplastic syndrome. Identifiers: Orphanet 140162, MedGen C0027672, MeSH D009386, MONDO:0015356.
Oligodontia-cancer predisposition syndrome. Also called: TOOTH AGENESIS-COLORECTAL CANCER SYNDROME. Identifiers: Orphanet 300576, MedGen C1837750, MONDO:0012075, OMIM 608615. Disease mechanism: loss of function.

Submissions (2):

Labcorp Genetics (formerly Invitae), Labcorp
Classification: Uncertain significance for Oligodontia-cancer predisposition syndrome. Last evaluated: 2023-01-24. Review status: criteria provided, single submitter. Criteria: Invitae Variant Classification Sherloc (09022015). Collection method: clinical testing. Allele origin: germline.
Comment: This variant has not been reported in the literature in individuals affected with AXIN2-related conditions. ClinVar contains an entry for this variant (Variation ID: 1382972). Experimental studies and prediction algorithms are not available or were not evaluated, and the functional significance of this variant is currently unknown. In summary, the available evidence is currently insufficient to determine the role of this variant in disease. Therefore, it has been classified as a Variant of Uncertain Significance. This variant is not present in population databases (gnomAD no frequency). This variant, c.1552_1554del, results in the deletion of 1 amino acid(s) of the AXIN2 protein (p.Tyr518del), but otherwise preserves the integrity of the reading frame.

Ambry Genetics
Classification: Uncertain significance for Hereditary cancer-predisposing syndrome. Last evaluated: 2022-12-01. Review status: criteria provided, single submitter. Criteria: Ambry Variant Classification Scheme 2023. Collection method: clinical testing. Allele origin: germline.
Comment: The c.1552_1554delTAC variant (also known as p.Y518del) is located in coding exon 5 of the AXIN2 gene. This variant results from an in-frame TAC deletion at nucleotide positions 1552 to 1554. This results in the in-frame deletion of a tyrosine at codon 518. This amino acid position is highly conserved in available vertebrate species. In addition, the in silico prediction for this alteration is inconclusive (Choi Y et al. PLoS ONE. 2012; 7(10):e46688). Since supporting evidence is limited at this time, the clinical significance of this alteration remains unclear.